The following is an entry in ClinVar:

ClinVar aggregate classification (germline): Uncertain significance (1 of 4 stars; one submission).

Conditions:
Familial sleep-related hypermotor epilepsy. Also called: Autosomal Dominant Sleep-Related Hypermotor (Hyperkinetic) Epilepsy. Identifiers: Orphanet 98784, MedGen C3696898, MONDO:0000030.

Allele frequency attached by ClinVar (database versions not stated): ExAC 0.00001.

Submission:

Labcorp Genetics (formerly Invitae), Labcorp
Classification: Uncertain significance. Last evaluated: 2021-07-04. Review status: criteria provided, single submitter. Criteria: Invitae Variant Classification Sherloc (09022015). Collection method: clinical testing. Allele origin: germline.
Comment: In summary, the available evidence is currently insufficient to determine the role of this variant in disease. Therefore, it has been classified as a Variant of Uncertain Significance. Algorithms developed to predict the effect of missense changes on protein structure and function (SIFT, PolyPhen-2, Align-GVGD) all suggest that this variant is likely to be tolerated, but these predictions have not been confirmed by published functional studies and their clinical significance is uncertain. This variant has not been reported in the literature in individuals with CHRNB2-related conditions. This variant is present in population databases (rs774575734, ExAC 0.006%). This sequence change replaces serine with isoleucine at codon 448 of the CHRNB2 protein (p.Ser448Ile). The serine residue is moderately conserved and there is a large physicochemical difference between serine and isoleucine.

NM_000748.3(CHRNB2):c.1343G>T (p.Ser448Ile)

Gene: CHRNB2 (cholinergic receptor nicotinic beta 2 subunit; plus strand). Cytogenetic location: 1q21.3.
Variant type: single nucleotide variant.
Coding change: c.1343G>T on transcript NM_000748.3 (MANE Select); coding-DNA position 1343, G replaced by T.
Protein change: p.Ser448Ile; replaces serine 448 with isoleucine.
Molecular consequence: missense variant.
Genome position (GRCh38, 1-based): chr1:154,575,766, G>T. VCF-style: chr1-154575766-G-T. GRCh37 (hg19) VCF-style: chr1-154548242-G-T.
Other names: short protein forms S448I.
Identifiers: ClinVar variation 1016501 (VCV001016501.8), dbSNP rs774575734, ClinGen allele CA1130858.